The following is an entry in ClinVar:

NM_182710.3(KAT5):c.204_206dup (p.Lys68_Asp69insGlu)

Gene: KAT5 (lysine acetyltransferase 5; plus strand). Cytogenetic location: 11q13.1.
Variant type: Duplication.
Coding change: c.204_206dup on transcript NM_182710.3 (MANE Select); coding-DNA positions 204 to 206, 3 bases duplicated (GGA; older notation c.204_206dupGGA).
Protein change: p.Lys68_Asp69insGlu.
Genome position (GRCh38, 1-based): chr11:65,712,791-65,712,793, GGA duplicated; duplicating any 3 consecutive bases within chr11:65,712,790-65,712,793 gives the same sequence; the c. name uses the placement nearest the transcript's 3' end. VCF-style (leftmost placement, unchanged base first): chr11-65712789-A-AAGG. GRCh37 (hg19) VCF-style: chr11-65480260-A-AAGG.
Other names: c.204_206dup, p.Lys68_Asp69insGlu (NM_001206833.2); c.105_107dup, p.Lys35_Asp36insGlu (NM_006388.4, NM_182709.3).
Identifiers: ClinVar variation 4085581 (VCV004085581.8).
Genomic context (GRCh38, chr11:65,712,789, plus strand): 5'-GGCCTGTCTAAGGCCCCTGTCTATGCTATTCTCATAGCCCTGGCCGAGATCCTGAGCGTG[A>AAGG]AGGACATCAGTGGCCGGAAGCTTTTCTACGTCCATTACATTGACTGTGAGTTCTGGGCCT-3'

ClinVar aggregate classification (germline): Uncertain significance (1 of 4 stars; one submission).

Submission:

CeGaT Center for Human Genetics Tuebingen
Classification: Uncertain significance. Last evaluated: 2025-07-01. Review status: criteria provided, single submitter. Criteria: CeGaT Center For Human Genetics Tuebingen Variant Classification Criteria Version 2. Collection method: clinical testing. Allele origin: germline. Affected: yes. Observed: 1 variant allele.
Comment: KAT5: PM1, PM2, PM4:Supporting